The following is an entry in ClinVar:

ClinVar aggregate classification (germline): Likely benign (1 of 4 stars; one submission).

Submission:

CeGaT Center for Human Genetics Tuebingen
Classification: Likely benign. Last evaluated: 2024-10-01. Review status: criteria provided, single submitter. Criteria: CeGaT Center For Human Genetics Tuebingen Variant Classification Criteria Version 2. Collection method: clinical testing. Allele origin: germline. Affected: yes. Observed: 1 variant allele.
Comment: DOHH: BP4, BP7

NM_001145165.2(DOHH):c.819C>T (p.Cys273=)

Gene: DOHH (deoxyhypusine hydroxylase; minus strand). Cytogenetic location: 19p13.3.
Variant type: single nucleotide variant.
Coding change: c.819C>T on transcript NM_001145165.2 (MANE Select); coding-DNA position 819, C replaced by T.
Protein change: p.Cys273=; no amino-acid change (cysteine 273 retained).
Molecular consequence: synonymous variant.
Genome position (GRCh38, 1-based): chr19:3,491,582, G>A on the plus strand (C>T on the coding strand, the complement: DOHH is on the minus strand). VCF-style: chr19-3491582-G-A. GRCh37 (hg19) VCF-style: chr19-3491580-G-A.
Other names: c.819C>T, p.Cys273= (NM_031304.5).
Identifiers: ClinVar variation 3389125 (VCV003389125.14).
Genomic context (GRCh38, chr19:3,491,582, plus strand): 5'-GCCGTCCGCGTACTGGAAGGCCCGCCCGGTCTCGTGCTCATACATGTCCAGAGCCACCTC[G>A]CAGCTCTCACGCACCACGCGCTCTGGGTCGTCCGCGTGAGCCTGCAGCGCGGCCAGGCAG-3'
Protein context (NP_001138637.1, residues 263-283): DDPERVVRES[Cys273=]EVALDMYEHE